The following is an entry in ClinVar:

ClinVar aggregate classification (germline): Uncertain significance. Review status: criteria provided, multiple submitters, no conflicts (2 of 4 stars). 2 submissions from 2 submitters: Uncertain significance (2). Last evaluated 2024-10-30.

Conditions:
Hereditary cancer-predisposing syndrome. Also called: Tumor predisposition; Neoplastic Syndromes, Hereditary; Hereditary Cancer Syndrome; Hereditary neoplastic syndrome. Identifiers: Orphanet 140162, MedGen C0027672, MeSH D009386, MONDO:0015356.
Tuberous sclerosis 2 (TSC2). Identifiers: Orphanet 805, MedGen C1860707, MONDO:0013199, OMIM 613254.

Submissions (2):

Labcorp Genetics (formerly Invitae), Labcorp
Classification: Uncertain significance for Tuberous sclerosis 2. Last evaluated: 2024-10-30. Review status: criteria provided, single submitter. Criteria: Invitae Variant Classification Sherloc (09022015). Collection method: clinical testing. Allele origin: germline.
Comment: This variant, c.5197_5211del, results in the deletion of 5 amino acid(s) of the TSC2 protein (p.Thr1733_Pro1737del), but otherwise preserves the integrity of the reading frame. This variant is not present in population databases (gnomAD no frequency). This variant has not been reported in the literature in individuals affected with TSC2-related conditions. ClinVar contains an entry for this variant (Variation ID: 486668). In summary, the available evidence is currently insufficient to determine the role of this variant in disease. Therefore, it has been classified as a Variant of Uncertain Significance.

Ambry Genetics
Classification: Uncertain significance for Hereditary cancer-predisposing syndrome. Last evaluated: 2016-07-25. Review status: criteria provided, single submitter. Criteria: Ambry Variant Classification Scheme 2023. Collection method: clinical testing. Allele origin: germline.
Comment: The c.5197_5211del15 variant (also known as p.T1733_P1737del) is located in coding exon 40 of the TSC2 gene. This variant results from an in-frame deletion of 15 nucleotides (ACCGATATCTACCCC) at positions 5197 to 5211. This results in the in-frame deletion of 5 residues between codons 1733 and 1737. This variant was not reported in population based cohorts in the following databases: Database of Single Nucleotide Polymorphisms (dbSNP), NHLBI Exome Sequencing Project (ESP), and 1000 Genomes Project. In the ESP, this variant was not observed in 6497 samples (12994 alleles) with coverage at this position. To date, this alteration has been detected with an allele frequency of approximately 0.006% (greater than 20000 alleles tested) in our clinical cohort. This amino acid region is well conserved in available vertebrate species. Since supporting evidence is limited at this time, the clinical significance of this alteration remains unclear.

NM_000548.5(TSC2):c.5197_5211del (p.Thr1733_Pro1737del)

Gene: TSC2 (TSC complex subunit 2; plus strand). Cytogenetic location: 16p13.3.
Variant type: Deletion.
Coding change: c.5197_5211del on transcript NM_000548.5 (MANE Select); coding-DNA positions 5197 to 5211, 15 bases deleted (ACCGATATCTACCCC).
Protein change: p.Thr1733_Pro1737del.
Molecular consequence: inframe deletion.
Genome position (GRCh38, 1-based): chr16:2,088,263-2,088,277, ACCGATATCTACCCC deleted; deleting any 15 consecutive bases within chr16:2,088,258-2,088,277 gives the same sequence; the c. name uses the placement nearest the transcript's 3' end. VCF-style (leftmost placement, unchanged base first): chr16-2088257-AACCCCACCGATATCT-A. GRCh37 (hg19) VCF-style: chr16-2138258-AACCCCACCGATATCT-A.
Other names: c.4996_5010del, p.Thr1666_Pro1670del (NM_001077183.3); c.5128_5142del, p.Thr1710_Pro1714del (NM_001114382.3); c.4888_4902del, p.Thr1630_Pro1634del (NM_001318827.2); c.4852_4866del, p.Thr1618_Pro1622del (NM_001318829.2); c.4465_4479del, p.Thr1489_Pro1493del (NM_001318831.2); c.5029_5043del, p.Thr1677_Pro1681del (NM_001318832.2); c.4999_5013del, p.Thr1667_Pro1671del (NM_001363528.2); c.5065_5079del, p.Thr1689_Pro1693del (NM_001370404.1); and 2 more.
Identifiers: ClinVar variation 486668 (VCV000486668.7), dbSNP rs1555440518, ClinGen allele CA658656652.
Genomic context (GRCh38, chr16:2,088,257, plus strand): 5'-AGTGAGCTCACCCCCTGCCTACGTCCCCAGATGGCCTCACAGGTGCATCATAGCCGCTCC[AACCCCACCGATATCT>A]ACCCCTCCAAGTGGATTGCCCGGCTCCGCCACATCAAGCGGCTCCGCCAGCGGGTAGGGA-3'